The following is an entry in ClinVar:

ClinVar aggregate classification (germline): Benign (0 of 4 stars; one submission).

Conditions:
FNDC3B-related disorder. Also called: FNDC3B-related condition.

Allele frequency attached by ClinVar (database versions not stated): 1000 Genomes Project 30x 0.00094; gnomAD 0.00119; 1000 Genomes Project 0.00120; TOPMed 0.00134; gnomAD exomes 0.00148; ExAC 0.00152; ESP Exome Variant Server 0.00161.
gnomAD v4.1: 2,387 of 1,614,148 alleles (0.15%); highest among the groups gnomAD compares: Middle Eastern, 0.73%; 9 homozygotes.

Submission:

PreventionGenetics, part of Exact Sciences
Classification: Benign for FNDC3B-related condition. Last evaluated: 2019-12-12. Review status: no assertion criteria provided. Collection method: clinical testing. Allele origin: germline.
Comment: This variant is classified as benign based on ACMG/AMP sequence variant interpretation guidelines (Richards et al. 2015 PMID: 25741868, with internal and published modifications).

NM_022763.4(FNDC3B):c.2590G>A (p.Val864Ile)

Gene: FNDC3B (fibronectin type III domain containing 3B; plus strand). Cytogenetic location: 3q26.31.
Variant type: single nucleotide variant.
Coding change: c.2590G>A on transcript NM_022763.4 (MANE Select); coding-DNA position 2590, G replaced by A.
Protein change: p.Val864Ile; replaces valine 864 with isoleucine.
Molecular consequence: missense variant.
Genome position (GRCh38, 1-based): chr3:172,352,878, G>A. VCF-style: chr3-172352878-G-A. GRCh37 (hg19) VCF-style: chr3-172070668-G-A.
Other names: c.2590G>A, p.Val864Ile (NM_001135095.2); short protein forms V864I.
Identifiers: ClinVar variation 3042904 (VCV003042904.2), dbSNP rs143064249, ClinGen allele CA2706078.